The following is an entry in ClinVar:

ClinVar aggregate classification (germline): Likely benign (0 of 4 stars; one submission).

Conditions:
SLC10A2-related disorder. Also called: SLC10A2-related condition.

Submission:

PreventionGenetics, part of Exact Sciences
Classification: Likely benign for SLC10A2-related condition. Last evaluated: 2021-06-17. Review status: no assertion criteria provided. Collection method: clinical testing. Allele origin: germline.
Comment: This variant is classified as likely benign based on ACMG/AMP sequence variant interpretation guidelines (Richards et al. 2015 PMID: 25741868, with internal and published modifications).

NM_000452.3(SLC10A2):c.586-3dup

Gene: SLC10A2 (solute carrier family 10 member 2; minus strand). Cytogenetic location: 13q33.1.
Variant type: Duplication.
Coding change: c.586-3dup on transcript NM_000452.3 (MANE Select); 3 bases into the intron before coding-DNA position 586, one base duplicated (C; older notation c.586-3dupC).
Molecular consequence: intron variant.
Genome position (GRCh38, 1-based): chr13:103,051,435, G duplicated on the plus strand (C on the coding strand, the reverse complement: SLC10A2 is on the minus strand). VCF-style (leftmost placement, unchanged base first): chr13-103051434-T-TG. GRCh37 (hg19) VCF-style: chr13-103703784-T-TG.
Identifiers: ClinVar variation 3030659 (VCV003030659.2), dbSNP rs2501814312, ClinGen allele CA2740097687.